The following continues an entry in ClinVar:

NM_002693.3(POLG):c.391T>C (p.Tyr131His)

ClinVar aggregate classification (germline): Conflicting classifications of pathogenicity. Uncertain significance (16); Likely benign (1).

Submissions 12 to 18 of 18:

Victorian Clinical Genetics Services, Murdoch Childrens Research Institute
Classification: Uncertain significance for Mitochondrial disease. Last evaluated: 2020-05-21. Review status: criteria provided, single submitter. Criteria: ACMG Guidelines, 2015. Collection method: clinical testing. Allele origin: germline. Inheritance: Autosomal recessive inheritance. Affected: yes.
Comment: A heterozygous missense variant was identified, NM_002693.2(POLG):c.391T>C in exon 2 of 23 of the POLG gene. This substitution is predicted to create a moderate amino acid change from a tyrosine to a histidine at position 131 of the protein, NP_002684.1(POLG):p.(Tyr131His). The tyrosine at this position has low conservation (100 vertebrates, UCSC), and is located within the DNApol exonuclease domain. Pathogenic variants associated with autosomal dominant progressive external ophthalmoplegia are usually located within the finger region of the polymerase domain, whilst variants associated with the autosomal recessive condition are distributed evenly throughout the gene. In silico software predictions of the pathogenicity of this variant are conflicting (Polyphen, SIFT, CADD, Mutation Taster). The variant is present in the gnomAD population database at a frequency of 0.02% (43 heterozygotes, 0 homozygotes). An alternative residue change at the same location, p.(Tyr131Cys), has been reported in the gnomAD database at a frequency of 0.0011%. The variant has been previously reported as a VUS in clinical cases (ClinVar, González-Vioque, E., et al. (2006), Tang, S., et al. (2011)). Based on information available at the time of curation, this variant has been classified as a VARIANT of UNCERTAIN SIGNIFICANCE (VUS).

Wong Mito Lab, Molecular and Human Genetics, Baylor College of Medicine
Classification: Likely benign for Progressive sclerosing poliodystrophy. Last evaluated: 2018-10-01. Review status: criteria provided, single submitter. Criteria: ACMG Guidelines, 2015. Collection method: clinical testing. Allele origin: germline.
Comment: The NM_002693.2:c.391T>C (NP_002684.1:p.Tyr131His) [GRCH38: NC_000015.10:g.89333364A>G] variant in POLG gene is interpretated to be a Likely Benign based on ACMG guidelines (PMID: 25741868). This variant meets the following evidence codes reported in the ACMG-guideline. BS1:The minor allele frequency of this allele is high for Mitochondrial DNA depletion syndrome 4A (Alpers type). BP4:Computational evidence/predictors indicate no impact on the POLG structure, function, or protein-protein interaction. Based on the evidence criteria codes applied, the variant is suggested to be Likely Benign.

Illumina Laboratory Services, Illumina
Classification: Uncertain significance for POLG-Related Spectrum Disorders. Last evaluated: 2018-01-13. Review status: criteria provided, single submitter. Criteria: ICSL Variant Classification Criteria 13 December 2019. Collection method: clinical testing. Allele origin: germline.

Eurofins Ntd Llc (ga)
Classification: Uncertain significance. Last evaluated: 2017-12-28. Review status: criteria provided, single submitter. Criteria: EGL Classification Definitions 2015. Collection method: clinical testing. Allele origin: germline. Observed: 2 variant alleles, 2 heterozygotes.

ARUP Laboratories, Molecular Genetics and Genomics, ARUP Laboratories
Classification: Uncertain significance. Last evaluated: 2017-11-10. Review status: criteria provided, single submitter. Criteria: ARUP Molecular Germline Variant Investigation Process. Collection method: clinical testing. Allele origin: germline.
Comment: The p.Tyr131His variant (rs562847013) has been reported as a polymorphism in an individual diagnosed with mitochondrial disease and as an unclassified variant in an individual whose features were suggestive of POLG deficiency; however, inheritance and specific clinical information were not reported for these cases (GonzÃ¡lez-Vioque 2006 and Tang 2011). The p.Tyr131His variant is listed in the Genome Aggregation Database (gnomAD) browser with an allele frequency of 0.037% in the non-Finnish European population (identified in 34 out of 92,102 chromosomes), and is classified as a variant of uncertain significance in ClinVar (Variant ID: 206492). The tyrosine at codon 131 is weakly conserved considering 12 species (Alamut software v2.10.0), and computational analyses predict conflicting effects of this variant on protein structure/function (SIFT: tolerated, PolyPhen2: benign, MutationTaster: disease causing). Therefore, based on the available information, the clinical significance of the p.Tyr131His variant cannot be determined with certainty.

Undiagnosed Diseases Network, NIH
Classification: Uncertain significance for Primary progressive multiple sclerosis; Mitochondrial DNA depletion syndrome. Last evaluated: 2016-01-28. Review status: criteria provided, single submitter. Criteria: ACMG Guidelines, 2015. Collection method: clinical testing. Allele origin: unknown. Affected: yes. Observed: 1 compound heterozygote.

Centre de Biologie Pathologie Génétique, Centre Hospitalier Universitaire de Lille
Classification: Uncertain significance for Intellectual disability. Last evaluated: 2019-01-01. Review status: no assertion criteria provided. Collection method: clinical testing. Allele origin: unknown. Affected: yes. Not counted in ClinVar's aggregate classification.

Literature cited by the submitters: PubMed 2504279 (cited by Labcorp Genetics (formerly Invitae), Labcorp); PubMed 16401742 (cited by 6 submitters); PubMed 21880868 (cited by 6 submitters); PubMed 39333051 (cited by Labcorp Genetics (formerly Invitae), Labcorp); PubMed 32504279 (cited by Mayo Clinic Laboratories, Mayo Clinic and Athena Diagnostics); PubMed 28480171 (cited by Athena Diagnostics).